The following is an entry in ClinVar:

NM_001844.5(COL2A1):c.2094+1G>A

Gene: COL2A1 (collagen type II alpha 1 chain; minus strand). Cytogenetic location: 12q13.11.
Variant type: single nucleotide variant.
Coding change: c.2094+1G>A on transcript NM_001844.5 (MANE Select); the canonical splice donor site of the intron after coding-DNA position 2094, G replaced by A.
Molecular consequence: splice donor variant.
Genome position (GRCh38, 1-based): chr12:47,983,092, C>T on the plus strand (G>A on the coding strand, the complement: COL2A1 is on the minus strand). VCF-style: chr12-47983092-C-T. GRCh37 (hg19) VCF-style: chr12-48376875-C-T.
Other names: c.1887+1G>A (NM_033150.3).
Identifiers: ClinVar variation 2137335 (VCV002137335.4), dbSNP rs2136552560, ClinGen allele CA384547383.

ClinVar aggregate classification (germline): Pathogenic (1 of 4 stars; one submission).

Submission:

Labcorp Genetics (formerly Invitae), Labcorp
Classification: Pathogenic. Last evaluated: 2025-06-30. Review status: criteria provided, single submitter. Criteria: Invitae Variant Classification Sherloc (09022015). Collection method: clinical testing. Allele origin: germline.
Comment: This sequence change affects a donor splice site in intron 32 of the COL2A1 gene. It is expected to disrupt RNA splicing. Variants that disrupt the donor or acceptor splice site typically lead to a loss of protein function (PMID: 16199547), and loss-of-function variants in COL2A1 are known to be pathogenic (PMID: 20179744). This variant is not present in population databases (gnomAD no frequency). Disruption of this splice site has been observed in individuals with Stickler syndrome (PMID: 20179744, 31625567). ClinVar contains an entry for this variant (Variation ID: 2137335). Algorithms developed to predict the effect of sequence changes on RNA splicing suggest that this variant may disrupt the consensus splice site. For these reasons, this variant has been classified as Pathogenic.

Literature cited by the submitters: PubMed 16199547; PubMed 20179744; PubMed 31625567.